The following is an entry in ClinVar:

ClinVar aggregate classification (germline): Conflicting classifications of pathogenicity. Review status: criteria provided, conflicting classifications (1 of 4 stars). 2 submissions from 2 submitters: Uncertain significance (1); Likely benign (1). Last evaluated 2023-03-23.

Conditions:
Hereditary cancer-predisposing syndrome. Also called: Hereditary Cancer Syndrome; Hereditary neoplastic syndrome; Neoplastic Syndromes, Hereditary; Tumor predisposition. Identifiers: Orphanet 140162, MedGen C0027672, MeSH D009386, MONDO:0015356.

Submissions (2):

University of Washington Department of Laboratory Medicine, University of Washington
Classification: Likely benign for Hereditary cancer-predisposing syndrome. Last evaluated: 2023-03-23. Review status: criteria provided, single submitter. Criteria: Dines et al. (Genet Med. 2020). Collection method: curation. Allele origin: germline.
Comment: Missense variant in a coldspot region where missense variants are very unlikely to be pathogenic (PMID:31911673).

BRCA2 exon 11 coldspot. Reclassification based on statistical prior probability.

Ambry Genetics
Classification: Uncertain significance for Hereditary cancer-predisposing syndrome. Last evaluated: 2022-10-03. Review status: criteria provided, single submitter. Criteria: Ambry Variant Classification Scheme 2023. Collection method: clinical testing. Allele origin: germline.
Comment: The p.E2210Q variant (also known as c.6628G>C), located in coding exon 10 of the BRCA2 gene, results from a G to C substitution at nucleotide position 6628. The glutamic acid at codon 2210 is replaced by glutamine, an amino acid with highly similar properties. This amino acid position is not well conserved in available vertebrate species. In addition, the in silico prediction for this alteration is inconclusive. Since supporting evidence is limited at this time, the clinical significance of this alteration remains unclear.

NM_000059.4(BRCA2):c.6628G>C (p.Glu2210Gln)

Gene: BRCA2 (BRCA2 DNA repair associated; plus strand). Cytogenetic location: 13q13.1.
Variant type: single nucleotide variant.
Coding change: c.6628G>C on transcript NM_000059.4 (MANE Select); coding-DNA position 6628, G replaced by C.
Protein change: p.Glu2210Gln; replaces glutamic acid 2210 with glutamine.
Molecular consequence: missense variant.
Genome position (GRCh38, 1-based): chr13:32,340,983, G>C. VCF-style: chr13-32340983-G-C. GRCh37 (hg19) VCF-style: chr13-32915120-G-C.
Other names: short protein forms E2210Q.
Identifiers: ClinVar variation 441318 (VCV000441318.7), dbSNP rs1555284774, ClinGen allele CA387790258.